The following is an entry in ClinVar:

ClinVar aggregate classification (germline): Uncertain significance (1 of 4 stars; one submission).

Allele frequency attached by ClinVar (database versions not stated): gnomAD 0.00001.
gnomAD v4.1: 5 of 1,610,894 alleles (0.00031%); highest among the groups gnomAD compares: Non-Finnish European, 0.00042%; no homozygotes.

Submission:

Labcorp Genetics (formerly Invitae), Labcorp
Classification: Uncertain significance. Last evaluated: 2023-10-13. Review status: criteria provided, single submitter. Criteria: Invitae Variant Classification Sherloc (09022015). Collection method: clinical testing. Allele origin: germline.
Comment: This sequence change replaces serine, which is neutral and polar, with cysteine, which is neutral and slightly polar, at codon 185 of the MS4A1 protein (p.Ser185Cys). This variant is present in population databases (no rsID available, gnomAD 0.0009%). This variant has not been reported in the literature in individuals affected with MS4A1-related conditions. ClinVar contains an entry for this variant (Variation ID: 2056021). An algorithm developed to predict the effect of missense changes on protein structure and function (PolyPhen-2) suggests that this variant is likely to be tolerated. In summary, the available evidence is currently insufficient to determine the role of this variant in disease. Therefore, it has been classified as a Variant of Uncertain Significance.

NM_152866.3(MS4A1):c.553A>T (p.Ser185Cys)

Gene: MS4A1 (membrane spanning 4-domains A1; plus strand). Cytogenetic location: 11q12.2.
Variant type: single nucleotide variant.
Coding change: c.553A>T on transcript NM_152866.3 (MANE Select); coding-DNA position 553, A replaced by T.
Protein change: p.Ser185Cys; replaces serine 185 with cysteine.
Molecular consequence: missense variant.
Genome position (GRCh38, 1-based): chr11:60,466,137, A>T. VCF-style: chr11-60466137-A-T. GRCh37 (hg19) VCF-style: chr11-60233610-A-T.
Other names: c.553A>T, p.Ser185Cys (NM_021950.4, NM_152867.2); short protein forms S185C.
Identifiers: ClinVar variation 2056021 (VCV002056021.4), dbSNP rs1292673417, ClinGen allele CA380600238.